The following is an entry in ClinVar:

NM_001128840.3(CACNA1D):c.3557G>A (p.Arg1186Gln)

Gene: CACNA1D (calcium voltage-gated channel subunit alpha1 D; plus strand). Cytogenetic location: 3p21.1.
Variant type: single nucleotide variant.
Coding change: c.3557G>A on transcript NM_001128840.3 (MANE Select); coding-DNA position 3557, G replaced by A.
Protein change: p.Arg1186Gln; replaces arginine 1186 with glutamine.
Molecular consequence: missense variant.
Genome position (GRCh38, 1-based): chr3:53,751,789, G>A. VCF-style: chr3-53751789-G-A. GRCh37 (hg19) VCF-style: chr3-53785816-G-A.
Other names: c.3617G>A (NM_000720.2); c.3617G>A, p.Arg1206Gln (NM_000720.4); c.3557G>A, p.Arg1186Gln (NM_001128839.3); short protein forms R1186Q, R1206Q.
Identifiers: ClinVar variation 2178166 (VCV002178166.6), dbSNP rs745599441, ClinGen allele CA2454617.
Genomic context (GRCh38, chr3:53,751,789, plus strand): 5'-GCCCTTTTCTGCTGTTGCAGCGTCAGTGTGTTGAATACGCCTTGAAAGCACGTCCCTTGC[G>A]GAGATACATCCCCAAAAACCCCTACCAGTACAAGTTCTGGTACGTGGTGAACTCTTCGCC-3'
Protein context (NP_001122312.1, residues 1176-1196): VEYALKARPL[Arg1186Gln]RYIPKNPYQY

ClinVar aggregate classification (germline): Uncertain significance. Review status: criteria provided, multiple submitters, no conflicts (2 of 4 stars). 3 submissions from 3 submitters: Uncertain significance (3). Last evaluated 2025-10-14.

Conditions:
Inborn genetic diseases. Identifiers: MedGen C0950123, MeSH D030342.

Allele frequency attached by ClinVar (database versions not stated): gnomAD 0.00002; ExAC 0.00003; gnomAD exomes 0.00003; TOPMed 0.00003.
gnomAD v4.1: 45 of 1,614,018 alleles (0.0028%); highest among the groups gnomAD compares: Non-Finnish European, 0.0036%; no homozygotes.

Submissions (3):

Labcorp Genetics (formerly Invitae), Labcorp
Classification: Uncertain significance. Last evaluated: 2025-10-14. Review status: criteria provided, single submitter. Criteria: Invitae Variant Classification Sherloc (09022015). Collection method: clinical testing. Allele origin: germline.
Comment: This sequence change replaces arginine, which is basic and polar, with glutamine, which is neutral and polar, at codon 1206 of the CACNA1D protein (p.Arg1206Gln). This variant is present in population databases (rs745599441, gnomAD 0.005%). This variant has not been reported in the literature in individuals affected with CACNA1D-related conditions. ClinVar contains an entry for this variant (Variation ID: 2178166). Invitae Evidence Modeling of protein sequence and biophysical properties (such as structural, functional, and spatial information, amino acid conservation, physicochemical variation, residue mobility, and thermodynamic stability) indicates that this missense variant is not expected to disrupt CACNA1D protein function with a negative predictive value of 80%. In summary, the available evidence is currently insufficient to determine the role of this variant in disease. Therefore, it has been classified as a Variant of Uncertain Significance.

GeneDx
Classification: Uncertain significance. Last evaluated: 2022-12-21. Review status: criteria provided, single submitter. Criteria: GeneDx Variant Classification Process June 2021. Collection method: clinical testing. Allele origin: germline. Affected: yes.
Comment: In silico analysis supports that this missense variant has a deleterious effect on protein structure/function; Has not been previously published as pathogenic or benign to our knowledge

Ambry Genetics
Classification: Uncertain significance for Inborn genetic diseases. Last evaluated: 2022-08-03. Review status: criteria provided, single submitter. Criteria: Ambry Variant Classification Scheme 2023. Collection method: clinical testing. Allele origin: germline.